The following is an entry in ClinVar:

ClinVar aggregate classification (germline): Conflicting classifications of pathogenicity. Review status: criteria provided, conflicting classifications (1 of 4 stars). 2 submissions from 2 submitters: Uncertain significance (1); Likely benign (1). Last evaluated 2025-12-03.

Conditions:
Brachyolmia-amelogenesis imperfecta syndrome. Also called: Tooth agenesis, selective, 6; Dental anomalies and short stature; PLATYSPONDYLY WITH AMELOGENESIS IMPERFECTA. Identifiers: Orphanet 2899, MedGen C1832594, MONDO:0011018, OMIM 601216. Disease mechanism: loss of function.
Inborn genetic diseases. Identifiers: MedGen C0950123, MeSH D030342.

Allele frequency attached by ClinVar (database versions not stated): gnomAD 0.00005 and 0.00006.
gnomAD v4.1: 12 of 1,551,026 alleles (0.00077%); highest among the groups gnomAD compares: African/African-American, 0.016%; no homozygotes.

Submissions (2):

Labcorp Genetics (formerly Invitae), Labcorp
Classification: Uncertain significance for Brachyolmia-amelogenesis imperfecta syndrome. Last evaluated: 2025-12-03. Review status: criteria provided, single submitter. Criteria: Invitae Variant Classification Sherloc (09022015). Collection method: clinical testing. Allele origin: germline.
Comment: This sequence change affects codon 1182 of the LTBP3 mRNA. It is a 'silent' change, meaning that it does not change the encoded amino acid sequence of the LTBP3 protein. It affects a nucleotide within the consensus splice site. The frequency data for this variant in the population databases is considered unreliable, as metrics indicate poor data quality at this position in the gnomAD database. This variant has not been reported in the literature in individuals affected with LTBP3-related conditions. ClinVar contains an entry for this variant (Variation ID: 1466505). Algorithms developed to predict the effect of sequence changes on RNA splicing suggest that this variant is not likely to affect RNA splicing. In summary, the available evidence is currently insufficient to determine the role of this variant in disease. Therefore, it has been classified as a Variant of Uncertain Significance.

Ambry Genetics
Classification: Likely benign for Inborn genetic diseases. Last evaluated: 2022-04-03. Review status: criteria provided, single submitter. Criteria: Ambry Variant Classification Scheme 2023. Collection method: clinical testing. Allele origin: germline.

NM_001130144.3(LTBP3):c.3546G>C (p.Ala1182=)

Gene: LTBP3 (latent transforming growth factor beta binding protein 3; minus strand). Cytogenetic location: 11q13.1.
Variant type: single nucleotide variant.
Coding change: c.3546G>C on transcript NM_001130144.3 (MANE Select); coding-DNA position 3546, G replaced by C.
Protein change: p.Ala1182=; no amino-acid change (alanine 1182 retained).
Molecular consequence: synonymous variant.
Genome position (GRCh38, 1-based): chr11:65,539,721, C>G on the plus strand (G>C on the coding strand, the complement: LTBP3 is on the minus strand). VCF-style: chr11-65539721-C-G. GRCh37 (hg19) VCF-style: chr11-65307192-C-G.
Other names: c.3054G>C, p.Ala1018= (NM_001164266.1); c.3405G>C, p.Ala1135= (NM_021070.4).
Identifiers: ClinVar variation 1466505 (VCV001466505.10), dbSNP rs569342451, ClinGen allele CA224008614.